The following is an entry in ClinVar:

ClinVar aggregate classification (germline): Uncertain significance (1 of 4 stars; one submission).

Submission:

Ambry Genetics
Classification: Uncertain significance. Last evaluated: 2025-07-12. Review status: criteria provided, single submitter. Criteria: Ambry Variant Classification Scheme 2023. Collection method: clinical testing. Allele origin: germline.
Comment: The p.V983M variant (also known as c.2947G>A), located in coding exon 1 of the TET2 gene, results from a G to A substitution at nucleotide position 2947. The valine at codon 983 is replaced by methionine, an amino acid with highly similar properties. This amino acid position is conserved. In addition, this alteration is predicted to be tolerated by in silico analysis. Based on the available evidence, the clinical significance of this variant remains unclear.

NM_001127208.3(TET2):c.2947G>A (p.Val983Met)

Genes: TET2 (tet methylcytosine dioxygenase 2; plus strand), TET2-AS1 (TET2 antisense RNA 1; minus strand). Cytogenetic location: 4q24.
Variant type: single nucleotide variant.
Coding change: c.2947G>A on transcript NM_001127208.3 (MANE Select); coding-DNA position 2947, G replaced by A.
Protein change: p.Val983Met; replaces valine 983 with methionine.
Molecular consequence: missense variant.
Genome position (GRCh38, 1-based): chr4:105,236,889, G>A. VCF-style: chr4-105236889-G-A. GRCh37 (hg19) VCF-style: chr4-106158046-G-A.
Other names: c.2947G>A, p.Val983Met (NM_017628.4); short protein forms V983M.
Identifiers: ClinVar variation 4182958 (VCV004182958.1).
Genomic context (GRCh38, chr4:105,236,889, plus strand): 5'-CAGCAAACACAGCAACCCCAAACTGAGTCTTGCCATAGTCAGATGCACAGGCCAATTAAG[G>A]TGGAACCTGGATGCAAGCCACATGCCTGTATGCACACAGCACCACCAGAAAACAAAACAT-3'
Protein context (NP_001120680.1, residues 973-993): CHSQMHRPIK[Val983Met]EPGCKPHACM